The following is an entry in ClinVar:

ClinVar aggregate classification (germline): Uncertain significance (1 of 4 stars; one submission).

gnomAD v4.1: 15 of 1,556,266 alleles (0.00096%); highest among the groups gnomAD compares: African/African-American, 0.0054%; no homozygotes.

Submission:

Labcorp Genetics (formerly Invitae), Labcorp
Classification: Uncertain significance. Last evaluated: 2024-08-31. Review status: criteria provided, single submitter. Criteria: Invitae Variant Classification Sherloc (09022015). Collection method: clinical testing. Allele origin: germline.
Comment: This sequence change replaces arginine, which is basic and polar, with glutamine, which is neutral and polar, at codon 301 of the VAV1 protein (p.Arg301Gln). The frequency data for this variant in the population databases is considered unreliable, as metrics indicate poor data quality at this position in the gnomAD database. This variant has not been reported in the literature in individuals affected with VAV1-related conditions. An algorithm developed to predict the effect of missense changes on protein structure and function (PolyPhen-2) suggests that this variant is likely to be disruptive. In summary, the available evidence is currently insufficient to determine the role of this variant in disease. Therefore, it has been classified as a Variant of Uncertain Significance.

NM_005428.4(VAV1):c.902G>A (p.Arg301Gln)

Gene: VAV1 (vav guanine nucleotide exchange factor 1; plus strand). Cytogenetic location: 19p13.3.
Variant type: single nucleotide variant.
Coding change: c.902G>A on transcript NM_005428.4 (MANE Select); coding-DNA position 902, G replaced by A.
Protein change: p.Arg301Gln; replaces arginine 301 with glutamine.
Molecular consequence: missense variant.
Genome position (GRCh38, 1-based): chr19:6,826,686, G>A. VCF-style: chr19-6826686-G-A. GRCh37 (hg19) VCF-style: chr19-6826697-G-A.
Other names: c.902G>A, p.Arg301Gln (NM_001258206.2); c.806G>A, p.Arg269Gln (NM_001258207.2); short protein forms R269Q, R301Q.
Identifiers: ClinVar variation 3607451 (VCV003607451.2).